The following is an entry in ClinVar:

ClinVar aggregate classification (germline): Uncertain significance (1 of 4 stars; one submission).

gnomAD v4.1: 1 of 1,614,054 alleles (0.000062%); highest among the groups gnomAD compares: African/African-American, 0.0013%; no homozygotes.

Submission:

Ambry Genetics
Classification: Uncertain significance. Last evaluated: 2024-10-24. Review status: criteria provided, single submitter. Criteria: Ambry Variant Classification Scheme 2023. Collection method: clinical testing. Allele origin: germline.
Comment: The p.T1561I variant (also known as c.4682C>T), located in coding exon 4 of the ALPK2 gene, results from a C to T substitution at nucleotide position 4682. The threonine at codon 1561 is replaced by isoleucine, an amino acid with similar properties. This amino acid position is conserved. In addition, this alteration is predicted to be tolerated by in silico analysis. Based on the available evidence, the clinical significance of this variant remains unclear.

NM_052947.4(ALPK2):c.4682C>T (p.Thr1561Ile)

Genes: ALPK2 (alpha kinase 2; minus strand), LOC126862764 (BRD4-independent group 4 enhancer GRCh37_chr18:56202574-56203773; plus strand). Cytogenetic location: 18q21.31.
Variant type: single nucleotide variant.
Coding change: c.4682C>T on transcript NM_052947.4 (MANE Select); coding-DNA position 4682, C replaced by T.
Protein change: p.Thr1561Ile; replaces threonine 1561 with isoleucine.
Molecular consequence: missense variant.
Genome position (GRCh38, 1-based): chr18:58,535,505, G>A on the plus strand (C>T on the coding strand, the complement: ALPK2 is on the minus strand). VCF-style: chr18-58535505-G-A. GRCh37 (hg19) VCF-style: chr18-56202737-G-A.
Other names: short protein forms T1561I.
Identifiers: ClinVar variation 3530170 (VCV003530170.1).